The following is an entry in ClinVar:

ClinVar aggregate classification (germline): Uncertain significance. Review status: criteria provided, multiple submitters, no conflicts (2 of 4 stars). 2 submissions from 2 submitters: Uncertain significance (2). Last evaluated 2026-02-26.

Conditions:
CEP290-related disorder. Also called: CEP290-related condition; CEP290-related disorders. Identifiers: MedGen CN239314.
Nephronophthisis. Also called: Juvenile Nephronophthisis. Identifiers: Orphanet 655, MedGen C0687120, MONDO:0019005, HP:0000090.
Meckel-Gruber syndrome. Also called: DYSENCEPHALIA SPLANCHNOCYSTICA; GRUBER SYNDROME; Dysencephalia splachnocystica. Identifiers: Orphanet 564, MedGen C0265215, MONDO:0018921.
Joubert syndrome. Also called: JOUBERT-BOLTSHAUSER SYNDROME; Familial aplasia of the vermis. Identifiers: Orphanet 475, MedGen C5979921, MONDO:0018772.

Allele frequency attached by ClinVar (database versions not stated): gnomAD exomes below 0.00001.
gnomAD v4.1: 1 of 1,552,396 alleles (0.000064%); highest among the groups gnomAD compares: Admixed American, 0.002%; no homozygotes.

Submissions (2):

PreventionGenetics, part of Exact Sciences
Classification: Uncertain significance for CEP290-related condition. Last evaluated: 2026-02-26. Review status: criteria provided, single submitter. Criteria: ACMG Guidelines, 2015. Collection method: clinical testing. Allele origin: germline.
Comment: The CEP290 c.2515A>G variant is predicted to result in the amino acid substitution p.Thr839Ala. To our knowledge, this variant has not been reported in the literature. This variant is reported in 1 heterozygous individual in gnomAD; however, the quality of this data is questionable and should be treated with caution. At this time, the clinical significance of this variant is uncertain due to the absence of conclusive functional and genetic evidence.

Labcorp Genetics (formerly Invitae), Labcorp
Classification: Uncertain significance for Joubert syndrome; Meckel-Gruber syndrome; Nephronophthisis. Last evaluated: 2021-11-16. Review status: criteria provided, single submitter. Criteria: Invitae Variant Classification Sherloc (09022015). Collection method: clinical testing. Allele origin: germline.
Comment: This sequence change replaces threonine, which is neutral and polar, with alanine, which is neutral and non-polar, at codon 839 of the CEP290 protein (p.Thr839Ala). The frequency data for this variant in the population databases is considered unreliable, as metrics indicate poor data quality at this position in the gnomAD database. This variant has not been reported in the literature in individuals affected with CEP290-related conditions. Algorithms developed to predict the effect of missense changes on protein structure and function output the following: SIFT: "Tolerated"; PolyPhen-2: "Benign"; Align-GVGD: "Class C0". The alanine amino acid residue is found in multiple mammalian species, which suggests that this missense change does not adversely affect protein function. In summary, the available evidence is currently insufficient to determine the role of this variant in disease. Therefore, it has been classified as a Variant of Uncertain Significance.

NM_025114.4(CEP290):c.2515A>G (p.Thr839Ala)

Gene: CEP290 (centrosomal protein 290; minus strand). Cytogenetic location: 12q21.32.
Variant type: single nucleotide variant.
Coding change: c.2515A>G on transcript NM_025114.4 (MANE Select); coding-DNA position 2515, A replaced by G.
Protein change: p.Thr839Ala; replaces threonine 839 with alanine.
Molecular consequence: missense variant.
Genome position (GRCh38, 1-based): chr12:88,107,067, T>C on the plus strand (A>G on the coding strand, the complement: CEP290 is on the minus strand). VCF-style: chr12-88107067-T-C. GRCh37 (hg19) VCF-style: chr12-88500844-T-C.
Other names: c.2515A>G (NM_025114.3); short protein forms T839A.
Identifiers: ClinVar variation 1443058 (VCV001443058.4), dbSNP rs1227513489, ClinGen allele CA385972047.